The following is an entry in ClinVar:

NM_001039775.4(CRYBG2):c.1707T>C (p.Ser569=)

Gene: CRYBG2 (crystallin beta-gamma domain containing 2; minus strand). Cytogenetic location: 1p36.11.
Variant type: single nucleotide variant.
Coding change: c.1707T>C on transcript NM_001039775.4 (MANE Select); coding-DNA position 1707, T replaced by C.
Protein change: p.Ser569=; no amino-acid change (serine 569 retained).
Molecular consequence: synonymous variant.
Genome position (GRCh38, 1-based): chr1:26,344,951, A>G on the plus strand (T>C on the coding strand, the complement: CRYBG2 is on the minus strand). VCF-style: chr1-26344951-A-G. GRCh37 (hg19) VCF-style: chr1-26671442-A-G.
Identifiers: ClinVar variation 2638513 (VCV002638513.24), dbSNP rs1553168789, ClinGen allele CA999799216.

ClinVar aggregate classification (germline): Likely benign (1 of 4 stars; one submission).

Submission:

CeGaT Center for Human Genetics Tuebingen
Classification: Likely benign. Last evaluated: 2022-03-01. Review status: criteria provided, single submitter. Criteria: CeGaT Center For Human Genetics Tuebingen Variant Classification Criteria Version 2. Collection method: clinical testing. Allele origin: germline. Affected: yes. Observed: 1 variant allele.
Comment: CRYBG2: BP4, BP7